The following is an entry in ClinVar:

ClinVar aggregate classification (germline): Uncertain significance (1 of 4 stars; one submission).

Conditions:
Dilated cardiomyopathy 1DD (CMD1DD). Identifiers: Orphanet 154, MedGen C2750995, MONDO:0013168, OMIM 613172.

Allele frequency attached by ClinVar (database versions not stated): TOPMed below 0.00001.

Submission:

Labcorp Genetics (formerly Invitae), Labcorp
Classification: Uncertain significance for Dilated cardiomyopathy 1DD. Last evaluated: 2021-04-05. Review status: criteria provided, single submitter. Criteria: Invitae Variant Classification Sherloc (09022015). Collection method: clinical testing. Allele origin: germline.
Comment: This sequence change replaces serine with cysteine at codon 578 of the RBM20 protein (p.Ser578Cys). The serine residue is highly conserved and there is a moderate physicochemical difference between serine and cysteine. This variant is not present in population databases (ExAC no frequency). This variant has not been reported in the literature in individuals with RBM20-related conditions. Algorithms developed to predict the effect of missense changes on protein structure and function are either unavailable or do not agree on the potential impact of this missense change (SIFT: "Deleterious"; PolyPhen-2: "Probably Damaging"; Align-GVGD: "Class C15"). In summary, the available evidence is currently insufficient to determine the role of this variant in disease. Therefore, it has been classified as a Variant of Uncertain Significance.

NM_001134363.3(RBM20):c.1733C>G (p.Ser578Cys)

Gene: RBM20 (RNA binding motif protein 20; plus strand). Cytogenetic location: 10q25.2.
Variant type: single nucleotide variant.
Coding change: c.1733C>G on transcript NM_001134363.3 (MANE Select); coding-DNA position 1733, C replaced by G.
Protein change: p.Ser578Cys; replaces serine 578 with cysteine.
Molecular consequence: missense variant.
Genome position (GRCh38, 1-based): chr10:110,799,851, C>G. VCF-style: chr10-110799851-C-G. GRCh37 (hg19) VCF-style: chr10-112559609-C-G.
Other names: short protein forms S578C.
Identifiers: ClinVar variation 1384889 (VCV001384889.8), dbSNP rs1844599391, ClinGen allele CA378390772.